The following is an entry in ClinVar:

ClinVar aggregate classification (germline): Uncertain significance (1 of 4 stars; one submission).

Conditions:
Deficiency of phosphoserine phosphatase (PSPHD). Also called: PSPH deficiency; Phosphoserine phosphatase deficiency. Identifiers: Orphanet 79350, MedGen C1291463, MONDO:0013531, OMIM 614023.

Submission:

Labcorp Genetics (formerly Invitae), Labcorp
Classification: Uncertain significance for Deficiency of phosphoserine phosphatase. Last evaluated: 2022-09-27. Review status: criteria provided, single submitter. Criteria: Invitae Variant Classification Sherloc (09022015). Collection method: clinical testing. Allele origin: germline.
Comment: This variant results in a copy number gain of the genomic region encompassing exon(s) 6-8 of the PSPH gene. This region includes the termination codon of the gene. This copy number gain extends beyond the assayed region for this gene and therefore may encompass additional genes. As the precise location of this event is unknown, it may be in tandem or it may be located elsewhere in the genome. This variant has not been reported in the literature in individuals affected with PSPH-related conditions. Experimental studies and prediction algorithms are not available or were not evaluated, and the functional significance of this variant is currently unknown. In summary, the available evidence is currently insufficient to determine the role of this variant in disease. Therefore, it has been classified as a Variant of Uncertain Significance.

NC_000007.13:g.(?_56079455)_(56085092_?)dup

Gene: PSPH (phosphoserine phosphatase; minus strand). Cytogenetic location: 7p11.2.
Variant type: Duplication.
Identifiers: ClinVar variation 1442705 (VCV001442705.4).